The following is an entry in ClinVar:

ClinVar aggregate classification (germline): Conflicting classifications of pathogenicity. Review status: criteria provided, conflicting classifications (1 of 4 stars). 3 submissions from 3 submitters: Uncertain significance (2); Likely benign (1). Last evaluated 2025-03-03.

Conditions:
Inborn genetic diseases. Identifiers: MedGen C0950123, MeSH D030342.
Autosomal dominant intellectual disability-craniofacial anomalies-cardiac defects syndrome (ARTHS). Also called: Arboleda-Tham syndrome; KAT6A syndrome; Mental retardation, autosomal dominant 32. Identifiers: Orphanet 457193, MedGen C4225396, MONDO:0014558, OMIM 616268.

Submissions (3):

Labcorp Genetics (formerly Invitae), Labcorp
Classification: Uncertain significance. Last evaluated: 2025-03-03. Review status: criteria provided, single submitter. Criteria: Invitae Variant Classification Sherloc (09022015). Collection method: clinical testing. Allele origin: germline.
Comment: This sequence change replaces alanine, which is neutral and non-polar, with threonine, which is neutral and polar, at codon 1795 of the KAT6A protein (p.Ala1795Thr). This variant is not present in population databases (gnomAD no frequency). This variant has not been reported in the literature in individuals affected with KAT6A-related conditions. ClinVar contains an entry for this variant (Variation ID: 1914809). Invitae Evidence Modeling of protein sequence and biophysical properties (such as structural, functional, and spatial information, amino acid conservation, physicochemical variation, residue mobility, and thermodynamic stability) indicates that this missense variant is not expected to disrupt KAT6A protein function with a negative predictive value of 95%. In summary, the available evidence is currently insufficient to determine the role of this variant in disease. Therefore, it has been classified as a Variant of Uncertain Significance.

3billion
Classification: Likely benign for Autosomal dominant intellectual disability-craniofacial anomalies-cardiac defects syndrome. Last evaluated: 2024-09-20. Review status: criteria provided, single submitter. Criteria: ACMG Guidelines, 2015. Collection method: clinical testing. Allele origin: germline. Affected: no.
Comment: The variant was identified in at least one patient who was diagnosed with a different variant in another gene and showed no symptoms related to the gene containing the variant in question.

Ambry Genetics
Classification: Uncertain significance for Inborn genetic diseases. Last evaluated: 2023-06-29. Review status: criteria provided, single submitter. Criteria: Ambry Variant Classification Scheme 2023. Collection method: clinical testing. Allele origin: germline.

NM_006766.5(KAT6A):c.5383G>A (p.Ala1795Thr)

Gene: KAT6A (lysine acetyltransferase 6A; minus strand). Cytogenetic location: 8p11.21.
Variant type: single nucleotide variant.
Coding change: c.5383G>A on transcript NM_006766.5 (MANE Select); coding-DNA position 5383, G replaced by A.
Protein change: p.Ala1795Thr; replaces alanine 1795 with threonine.
Molecular consequence: missense variant.
Genome position (GRCh38, 1-based): chr8:41,932,837, C>T on the plus strand (G>A on the coding strand, the complement: KAT6A is on the minus strand). VCF-style: chr8-41932837-C-T. GRCh37 (hg19) VCF-style: chr8-41790355-C-T.
Other names: c.5383G>A (NM_006766.3); short protein forms A1795T.
Identifiers: ClinVar variation 1914809 (VCV001914809.8), dbSNP rs971794216, ClinGen allele CA371062672.